The following is an entry in ClinVar:

NM_001458.5(FLNC):c.6497A>T (p.Gln2166Leu)

Genes: FLNC (filamin C; plus strand), FLNC-AS1 (FLNC antisense RNA 1; minus strand). Cytogenetic location: 7q32.1.
Variant type: single nucleotide variant.
Coding change: c.6497A>T on transcript NM_001458.5 (MANE Select); coding-DNA position 6497, A replaced by T.
Protein change: p.Gln2166Leu; replaces glutamine 2166 with leucine.
Molecular consequence: missense variant.
Genome position (GRCh38, 1-based): chr7:128,853,986, A>T. VCF-style: chr7-128853986-A-T. GRCh37 (hg19) VCF-style: chr7-128494040-A-T.
Other names: c.6398A>T, p.Gln2133Leu (NM_001127487.2); short protein forms Q2133L, Q2166L.
Identifiers: ClinVar variation 1713953 (VCV001713953.6), dbSNP rs2536663475, ClinGen allele CA369212690.
Genomic context (GRCh38, chr7:128,853,986, plus strand): 5'-CCTCACCCCTCGCTTCCCTCCCTCACCCTGGCTCCCTTGACCACACAGGAAACTGGTTCC[A>T]GATGGTGTCTGCCCAGGAGCGCCTGACACGCACCTTCACACGCAGCAGCCACACCTACAC-3'
Protein context (NP_001449.3, residues 2156-2176): LNLKIPGNWF[Gln2166Leu]MVSAQERLTR

ClinVar aggregate classification (germline): Uncertain significance (1 of 4 stars; one submission).

Conditions:
Myofibrillar myopathy 5. Also called: Filaminopathy (type); FILAMINOPATHY, AUTOSOMAL DOMINANT. Identifiers: Orphanet 171445, MedGen C1836050, MONDO:0012289, OMIM 609524.
Distal myopathy with posterior leg and anterior hand involvement. Also called: WILLIAMS DISTAL MYOPATHY. Identifiers: Orphanet 63273, MedGen C3279722, MONDO:0013550, OMIM 614065.
Hypertrophic cardiomyopathy 26. Also called: Cardiomyopathy, familial hypertrophic, 26. Identifiers: Orphanet 75249, MedGen C4310749, MONDO:0014883, OMIM 617047.

Submission:

Labcorp Genetics (formerly Invitae), Labcorp
Classification: Uncertain significance for Distal myopathy with posterior leg and anterior hand involvement; Myofibrillar myopathy 5; Hypertrophic cardiomyopathy 26. Last evaluated: 2022-07-27. Review status: criteria provided, single submitter. Criteria: Invitae Variant Classification Sherloc (09022015). Collection method: clinical testing. Allele origin: germline.
Comment: This sequence change replaces glutamine, which is neutral and polar, with leucine, which is neutral and non-polar, at codon 2166 of the FLNC protein (p.Gln2166Leu). This variant is not present in population databases (gnomAD no frequency). This variant has not been reported in the literature in individuals affected with FLNC-related conditions. Algorithms developed to predict the effect of missense changes on protein structure and function are either unavailable or do not agree on the potential impact of this missense change (SIFT: "Deleterious"; PolyPhen-2: "Benign"; Align-GVGD: "Class C0"). In summary, the available evidence is currently insufficient to determine the role of this variant in disease. Therefore, it has been classified as a Variant of Uncertain Significance.